The following is an entry in ClinVar:

NM_017654.4(SAMD9):c.472G>T (p.Asp158Tyr)

Gene: SAMD9 (sterile alpha motif domain containing 9; minus strand). Cytogenetic location: 7q21.2.
Variant type: single nucleotide variant.
Coding change: c.472G>T on transcript NM_017654.4 (MANE Select); coding-DNA position 472, G replaced by T.
Protein change: p.Asp158Tyr; replaces aspartic acid 158 with tyrosine.
Molecular consequence: missense variant.
Genome position (GRCh38, 1-based): chr7:93,105,626, C>A on the plus strand (G>T on the coding strand, the complement: SAMD9 is on the minus strand). VCF-style: chr7-93105626-C-A. GRCh37 (hg19) VCF-style: chr7-92734939-C-A.
Other names: c.472G>T, p.Asp158Tyr (NM_001193307.2); short protein forms D158Y.
Identifiers: ClinVar variation 4072687 (VCV004072687.1).

ClinVar aggregate classification (germline): Uncertain significance (1 of 4 stars; one submission).

Submission:

GeneDx
Classification: Uncertain significance. Last evaluated: 2025-01-29. Review status: criteria provided, single submitter. Criteria: GeneDx Variant Classification Process June 2021. Collection method: clinical testing. Allele origin: germline. Affected: yes.
Comment: Not observed at significant frequency in large population cohorts (gnomAD); In silico analysis indicates that this missense variant does not alter protein structure/function; Has not been previously published as pathogenic or benign to our knowledge